The following is an entry in ClinVar:

ClinVar aggregate classification (germline): Uncertain significance (1 of 4 stars; one submission).

Conditions:
Cardiovascular phenotype. Identifiers: MedGen CN230736.

Submission:

Ambry Genetics
Classification: Uncertain significance for Cardiovascular phenotype. Last evaluated: 2024-10-08. Review status: criteria provided, single submitter. Criteria: Ambry Variant Classification Scheme 2023. Collection method: clinical testing. Allele origin: germline.
Comment: The p.E199D variant (also known as c.597A>T), located in coding exon 8 of the TXNRD2 gene, results from an A to T substitution at nucleotide position 597. The glutamic acid at codon 199 is replaced by aspartic acid, an amino acid with highly similar properties. This amino acid position is conserved. In addition, this alteration is predicted to be tolerated by in silico analysis. Based on the available evidence, the clinical significance of this variant remains unclear.

NM_006440.5(TXNRD2):c.597A>T (p.Glu199Asp)

Gene: TXNRD2 (thioredoxin reductase 2; minus strand). Cytogenetic location: 22q11.21.
Variant type: single nucleotide variant.
Coding change: c.597A>T on transcript NM_006440.5 (MANE Select); coding-DNA position 597, A replaced by T.
Protein change: p.Glu199Asp; replaces glutamic acid 199 with aspartic acid.
Molecular consequence: missense variant. On other transcripts: non-coding transcript variant (1).
Genome position (GRCh38, 1-based): chr22:19,911,442, T>A on the plus strand (A>T on the coding strand, the complement: TXNRD2 is on the minus strand). VCF-style: chr22-19911442-T-A. GRCh37 (hg19) VCF-style: chr22-19898965-T-A.
Other names: c.597A>T, p.Glu199Asp (NM_001282512.3); c.594A>T, p.Glu198Asp (NM_001352300.2); c.507A>T, p.Glu169Asp (NM_001352301.2); c.309A>T, p.Glu103Asp (NM_001352302.2); c.501A>T, p.Glu167Asp (NM_001352303.2); short protein forms E167D, E198D, E169D, E199D, E103D.
Identifiers: ClinVar variation 3464754 (VCV003464754.1).
Genomic context (GRCh38, chr22:19,911,442, plus strand): 5'-TCCAGGGGATTCCTTCAGCCAGAAGATGTCATCACTTGTGATTCCATATTCCAAGGCACC[T>A]TCGATCTGTCAAGACAGAAATGACCCCTTGGACAAGAGCTCCATTTGGCCTGTCCTAGGG-3'
Protein context (NP_006431.2, residues 189-209): GGRPRYPTHI[Glu199Asp]GALEYGITSD